The following is an entry in ClinVar:

ClinVar aggregate classification (germline): Conflicting classifications of pathogenicity. Review status: criteria provided, conflicting classifications (1 of 4 stars). 2 submissions from 2 submitters: Likely pathogenic (1); Uncertain significance (1). Last evaluated 2026-01-10.

Conditions:
Succinate-semialdehyde dehydrogenase deficiency (SSADHD). Also called: Succinic Semialdehyde Dehydrogenase Deficiency; SSADH DEFICIENCY; 4-HYDROXYBUTYRIC ACIDURIA; GABA METABOLIC DEFECT. Identifiers: Orphanet 22, MedGen C0268631, MONDO:0010083, OMIM 271980.

Submissions (2):

GeneDx
Classification: Likely pathogenic. Last evaluated: 2026-01-10. Review status: criteria provided, single submitter. Criteria: GeneDx Variant Classification Process June 2021. Collection method: clinical testing. Allele origin: germline. Affected: yes.
Comment: In-frame deletion of 1 amino acid(s) in a non-repeat region; In silico analysis supports a deleterious effect on protein structure/function; Not observed at significant frequency in large population cohorts (gnomAD); Has not been previously published as pathogenic or benign to our knowledge

Labcorp Genetics (formerly Invitae), Labcorp
Classification: Uncertain significance for Succinate-semialdehyde dehydrogenase deficiency. Last evaluated: 2019-04-02. Review status: criteria provided, single submitter. Criteria: Invitae Variant Classification Sherloc (09022015). Collection method: clinical testing. Allele origin: germline.
Comment: In summary, the available evidence is currently insufficient to determine the role of this variant in disease. Therefore, it has been classified as a Variant of Uncertain Significance. Experimental studies and prediction algorithms are not available for this variant, and the functional significance of the affected amino acid(s) is currently unknown. This variant has not been reported in the literature in individuals with ALDH5A1-related conditions. This variant is not present in population databases (ExAC no frequency). This variant, c.1361_1363del, results in the deletion of 1 amino acid(s) of the ALDH5A1 protein (p.Glu454del), but otherwise preserves the integrity of the reading frame.

NM_001080.3(ALDH5A1):c.1355AGG[2] (p.Glu454del)

Gene: ALDH5A1 (aldehyde dehydrogenase 5 family member A1; plus strand). Cytogenetic location: 6p22.3.
Variant type: Microsatellite.
Coding change: c.1355AGG[2] on transcript NM_001080.3 (MANE Select); two copies in a row of the 3-base unit AGG starting at c.1355; the reference has three copies in a row; one copy, 3 bases deleted; also written c.1361_1363del.
Protein change: p.Glu454del; deletes glutamic acid 454.
Molecular consequence: inframe deletion.
Genome position (GRCh38, 1-based): chr6:24,532,136-24,532,138, AGG deleted; deleting any 3 consecutive bases within chr6:24,532,129-24,532,138 gives the same sequence; the position shown is the placement nearest the transcript's 3' end. VCF-style (leftmost placement, unchanged base first): chr6-24532128-AGAG-A. GRCh37 (hg19) VCF-style: chr6-24532356-AGAG-A.
Other names: c.1361_1363del (NM_001080.3); c.1211AGG[2], p.Glu406del (NM_001368954.1); c.1394AGG[2], p.Glu467del (NM_170740.1); short protein forms E406del, E467del, E454del.
Identifiers: ClinVar variation 854421 (VCV000854421.10), dbSNP rs1759948859, ClinGen allele CA645560209.